The following is an entry in ClinVar:

NM_000051.4(ATM):c.3478G>A (p.Val1160Met)

Gene: ATM (ATM serine/threonine kinase; plus strand). Cytogenetic location: 11q22.3.
Variant type: single nucleotide variant.
Coding change: c.3478G>A on transcript NM_000051.4 (MANE Select); coding-DNA position 3478, G replaced by A.
Protein change: p.Val1160Met; replaces valine 1160 with methionine.
Molecular consequence: missense variant.
Genome position (GRCh38, 1-based): chr11:108,281,070, G>A. VCF-style: chr11-108281070-G-A. GRCh37 (hg19) VCF-style: chr11-108151797-G-A.
Other names: c.3478G>A, p.Val1160Met (NM_001351834.2); short protein forms V1160M.
Identifiers: ClinVar variation 1731804 (VCV001731804.9), dbSNP rs567344545, ClinGen allele CA6265297.
Genomic context (GRCh38, chr11:108,281,070, plus strand): 5'-AACCCTGAAACTTTGGATGAAATTTATAATAGAAAATCTGTTTTACTGACGTTGATAGCT[G>A]TGGTTTTATCCTGTAGCCCTATCTGCGAAAAACAGGCTTTGTTTGCCCTGTGTAAATCTG-3'
Protein context (NP_000042.3, residues 1150-1170): RKSVLLTLIA[Val1160Met]VLSCSPICEK

ClinVar aggregate classification (germline): Uncertain significance. Review status: criteria provided, multiple submitters, no conflicts (2 of 4 stars). 3 submissions from 3 submitters: Uncertain significance (3). Last evaluated 2026-01-16.

Conditions:
Ataxia-telangiectasia syndrome (AT). Also called: LOUIS-BAR SYNDROME; Cerebello-oculocutaneous telangiectasia; Immunodeficiency with ataxia telangiectasia; Ataxia-telangiectasia, complementation group D; AT, COMPLEMENTATION GROUP C; ATAXIA-TELANGIECTASIA, COMPLEMENTATION GROUP A. Identifiers: Orphanet 100, MedGen C0004135, MONDO:0008840, OMIM 208900.
Hereditary cancer-predisposing syndrome. Also called: Neoplastic Syndromes, Hereditary; Tumor predisposition; Hereditary Cancer Syndrome; Hereditary neoplastic syndrome. Identifiers: Orphanet 140162, MedGen C0027672, MeSH D009386, MONDO:0015356.

gnomAD v4.1: 19 of 1,613,762 alleles (0.0012%); highest among the groups gnomAD compares: South Asian, 0.021%; no homozygotes.

Submissions (3):

Labcorp Genetics (formerly Invitae), Labcorp
Classification: Uncertain significance for Ataxia-telangiectasia syndrome. Last evaluated: 2026-01-16. Review status: criteria provided, single submitter. Criteria: Invitae Variant Classification Sherloc (09022015). Collection method: clinical testing. Allele origin: germline.
Comment: This sequence change replaces valine, which is neutral and non-polar, with methionine, which is neutral and non-polar, at codon 1160 of the ATM protein (p.Val1160Met). This variant is present in population databases (rs567344545, gnomAD 0.03%). This variant has not been reported in the literature in individuals affected with ATM-related conditions. ClinVar contains an entry for this variant (Variation ID: 1731804). Invitae Evidence Modeling of protein sequence and biophysical properties (such as structural, functional, and spatial information, amino acid conservation, physicochemical variation, residue mobility, and thermodynamic stability) indicates that this missense variant is not expected to disrupt ATM protein function with a negative predictive value of 95%. In summary, the available evidence is currently insufficient to determine the role of this variant in disease. Therefore, it has been classified as a Variant of Uncertain Significance.

Ambry Genetics
Classification: Uncertain significance for Hereditary cancer-predisposing syndrome. Last evaluated: 2025-09-04. Review status: criteria provided, single submitter. Criteria: Ambry Variant Classification Scheme 2023. Collection method: clinical testing. Allele origin: germline.
Comment: The p.V1160M variant (also known as c.3478G>A), located in coding exon 23 of the ATM gene, results from a G to A substitution at nucleotide position 3478. The valine at codon 1160 is replaced by methionine, an amino acid with highly similar properties. This amino acid position is not well conserved in available vertebrate species. In addition, this alteration is predicted to be tolerated by in silico analysis. Since supporting evidence is limited at this time, the clinical significance of this alteration remains unclear.

GeneDx
Classification: Uncertain significance. Last evaluated: 2023-05-30. Review status: criteria provided, single submitter. Criteria: GeneDx Variant Classification Process June 2021. Collection method: clinical testing. Allele origin: germline. Affected: yes.
Comment: In silico analysis supports that this missense variant does not alter protein structure/function; Has not been previously published as pathogenic or benign to our knowledge; This variant is associated with the following publications: (PMID: 19781682)